The following is an entry in ClinVar:

NM_020806.5(GPHN):c.1326G>A (p.Met442Ile)

Gene: GPHN (gephyrin; plus strand). Cytogenetic location: 14q23.3.
Variant type: single nucleotide variant.
Coding change: c.1326G>A on transcript NM_020806.5 (MANE Select); coding-DNA position 1326, G replaced by A.
Protein change: p.Met442Ile; replaces methionine 442 with isoleucine.
Molecular consequence: missense variant.
Genome position (GRCh38, 1-based): chr14:67,110,172, G>A. VCF-style: chr14-67110172-G-A. GRCh37 (hg19) VCF-style: chr14-67576889-G-A.
Other names: c.1227G>A, p.Met409Ile (NM_001024218.2); c.1386G>A, p.Met462Ile (NM_001377514.1); c.1356G>A, p.Met452Ile (NM_001377515.1); c.1347G>A, p.Met449Ile (NM_001377516.1); c.1299G>A, p.Met433Ile (NM_001377517.1); c.1284G>A, p.Met428Ile (NM_001377518.1); c.1266G>A, p.Met422Ile (NM_001377519.1); short protein forms M409I, M422I, M428I, M433I, M442I, M449I, M452I, M462I.
Identifiers: ClinVar variation 3616391 (VCV003616391.2).

ClinVar aggregate classification (germline): Uncertain significance (1 of 4 stars; one submission).

Conditions:
Sulfite oxidase deficiency due to molybdenum cofactor deficiency type C. Also called: Molybdenum cofactor deficiency, complementation group C; Molybdenum cofactor deficiency C. Identifiers: Orphanet 308400, Orphanet 833, MedGen C1854990, MONDO:0014212, OMIM 615501.

gnomAD v4.1: 6 of 1,612,684 alleles (0.00037%); highest among the groups gnomAD compares: African/African-American, 0.0013%; no homozygotes.

Submission:

Labcorp Genetics (formerly Invitae), Labcorp
Classification: Uncertain significance for Sulfite oxidase deficiency due to molybdenum cofactor deficiency type C. Last evaluated: 2024-11-21. Review status: criteria provided, single submitter. Criteria: Invitae Variant Classification Sherloc (09022015). Collection method: clinical testing. Allele origin: germline.
Comment: This sequence change replaces methionine, which is neutral and non-polar, with isoleucine, which is neutral and non-polar, at codon 442 of the GPHN protein (p.Met442Ile). This variant is not present in population databases (gnomAD no frequency). This variant has not been reported in the literature in individuals affected with GPHN-related conditions. Invitae Evidence Modeling of protein sequence and biophysical properties (such as structural, functional, and spatial information, amino acid conservation, physicochemical variation, residue mobility, and thermodynamic stability) indicates that this missense variant is not expected to disrupt GPHN protein function with a negative predictive value of 80%. In summary, the available evidence is currently insufficient to determine the role of this variant in disease. Therefore, it has been classified as a Variant of Uncertain Significance.